The following is an entry in ClinVar:

NM_002949.4(MRPL12):c.313T>C (p.Ser105Pro)

Gene: MRPL12 (mitochondrial ribosomal protein L12; plus strand). Cytogenetic location: 17q25.3.
Variant type: single nucleotide variant.
Coding change: c.313T>C on transcript NM_002949.4 (MANE Select); coding-DNA position 313, T replaced by C.
Protein change: p.Ser105Pro; replaces serine 105 with proline.
Molecular consequence: missense variant.
Genome position (GRCh38, 1-based): chr17:81,704,684, T>C. VCF-style: chr17-81704684-T-C. GRCh37 (hg19) VCF-style: chr17-79671714-T-C.
Other names: p.Ser105Pro; short protein forms S105P.
Identifiers: ClinVar variation 380549 (VCV000380549.11), dbSNP rs11546280, ClinGen allele CA8841327.
Genomic context (GRCh38, chr17:81,704,684, plus strand): 5'-TCTCTGCAGAAAACGTTGAAGATCCAGGATGTCGGGCTTGTGCCGATGGGTGGTGTGATG[T>C]CTGGGGCTGTCCCTGCTGCAGCAGCCCAGGAGGTGAGTCCTGGGCAGAATGAGGCATTTC-3'
Protein context (NP_002940.2, residues 95-115): VGLVPMGGVM[Ser105Pro]GAVPAAAAQE

ClinVar aggregate classification (germline): Benign. Review status: criteria provided, multiple submitters, no conflicts (2 of 4 stars). 4 submissions from 4 submitters: Benign (4). Last evaluated 2026-02-03.

Allele frequency attached by ClinVar (database versions not stated): ESP Exome Variant Server 0.06428; gnomAD 0.06456 and 0.06687; gnomAD exomes 0.06570 and 0.06960; TOPMed 0.06892; ExAC 0.07159; 1000 Genomes Project 30x 0.09619; 1000 Genomes Project 0.10144.

Submissions (4):

Labcorp Genetics (formerly Invitae), Labcorp
Classification: Benign. Last evaluated: 2026-02-03. Review status: criteria provided, single submitter. Criteria: Invitae Variant Classification Sherloc (09022015). Collection method: clinical testing. Allele origin: germline.

Mayo Clinic Laboratories, Mayo Clinic
Classification: Benign. Last evaluated: 2018-04-13. Review status: criteria provided, single submitter. Criteria: ACMG Guidelines, 2015. Collection method: clinical testing. Allele origin: germline. Observed: 29 variant alleles.

GeneDx
Classification: Benign. Last evaluated: 2015-12-02. Review status: criteria provided, single submitter. Criteria: GeneDx Variant Classification (06012015). Collection method: clinical testing. Allele origin: germline. Affected: yes.
Comment: This variant is considered likely benign or benign based on one or more of the following criteria: it is a conservative change, it occurs at a poorly conserved position in the protein, it is predicted to be benign by multiple in silico algorithms, and/or has population frequency not consistent with disease.

Breakthrough Genomics
Classification: Benign. Review status: criteria provided, single submitter. Criteria: ACMG Guidelines, 2015. Collection method: not provided. Allele origin: germline. Inheritance: Autosomal recessive inheritance. Affected: yes.